The following is an entry in ClinVar:

NM_147196.3(TMIE):c.367AAG[11] (p.Lys130_Lys131dup)

Gene: TMIE (transmembrane inner ear; plus strand). Cytogenetic location: 3p21.31.
Variant type: Microsatellite.
Coding change: c.367AAG[11] on transcript NM_147196.3 (MANE Select); 11 copies in a row of the 3-base unit AAG starting at c.367; the reference has nine copies in a row; two copies, 6 bases duplicated.
Protein change: p.Lys130_Lys131dup.
Molecular consequence: inframe insertion.
Genome position (GRCh38, 1-based): chr3:46,709,605-46,709,610, AAGAAG duplicated; duplicating any 6 consecutive bases within chr3:46,709,584-46,709,610 gives the same sequence; the position shown is the placement nearest the transcript's 3' end. VCF-style (leftmost placement, unchanged base first): chr3-46709583-T-TAAGAAG. GRCh37 (hg19) VCF-style: chr3-46751073-T-TAAGAAG.
Other names: c.208AAG[11], p.Lys77_Lys78dup (NM_001370524.1, NM_001370525.1); c.388_393dup6 (NM_147196.2).
Identifiers: ClinVar variation 515000 (VCV000515000.13), dbSNP rs10578999, ClinGen allele CA2358020.

ClinVar aggregate classification (germline): Likely benign. Review status: criteria provided, multiple submitters, no conflicts (2 of 4 stars). 3 submissions from 3 submitters: Likely benign (2). 1 of the submissions does not count toward it. Last evaluated 2025-11-22.

Conditions:
TMIE-related disorder. Also called: TMIE-related condition.

Submissions (3):

Labcorp Genetics (formerly Invitae), Labcorp
Classification: Likely benign. Last evaluated: 2025-11-22. Review status: criteria provided, single submitter. Criteria: Invitae Variant Classification Sherloc (09022015). Collection method: clinical testing. Allele origin: germline.

GeneDx
Classification: Likely benign. Last evaluated: 2019-10-25. Review status: criteria provided, single submitter. Criteria: GeneDx Variant Classification Process June 2021. Collection method: clinical testing. Allele origin: germline. Affected: yes.

PreventionGenetics, part of Exact Sciences
Classification: Likely benign for TMIE-related condition. Last evaluated: 2022-04-29. Review status: no assertion criteria provided. Collection method: clinical testing. Allele origin: germline. Not counted in ClinVar's aggregate classification.
Comment: This variant is classified as likely benign based on ACMG/AMP sequence variant interpretation guidelines (Richards et al. 2015 PMID: 25741868, with internal and published modifications).